The following is an entry in ClinVar:

NM_016507.4(CDK12):c.339C>G (p.His113Gln)

Genes: CDK12 (cyclin dependent kinase 12; plus strand), LOC126862553 (CDK7 strongly-dependent group 2 enhancer GRCh37_chr17:37618166-37619365; plus strand). Cytogenetic location: 17q12.
Variant type: single nucleotide variant.
Coding change: c.339C>G on transcript NM_016507.4 (MANE Select); coding-DNA position 339, C replaced by G.
Protein change: p.His113Gln; replaces histidine 113 with glutamine.
Molecular consequence: missense variant.
Genome position (GRCh38, 1-based): chr17:39,462,410, C>G. VCF-style: chr17-39462410-C-G. GRCh37 (hg19) VCF-style: chr17-37618663-C-G.
Other names: c.339C>G, p.His113Gln (NM_015083.4); short protein forms H113Q.
Identifiers: ClinVar variation 3830448 (VCV003830448.1).

ClinVar aggregate classification (germline): Uncertain significance (1 of 4 stars; one submission).

Submission:

Ambry Genetics
Classification: Uncertain significance. Last evaluated: 2025-01-04. Review status: criteria provided, single submitter. Criteria: Ambry Variant Classification Scheme 2023. Collection method: clinical testing. Allele origin: germline.
Comment: The p.H113Q variant (also known as c.339C>G), located in coding exon 1 of the CDK12 gene, results from a C to G substitution at nucleotide position 339. The histidine at codon 113 is replaced by glutamine, an amino acid with highly similar properties. This amino acid position is conserved. In addition, this alteration is predicted to be tolerated by in silico analysis. Based on the available evidence, the clinical significance of this variant remains unclear.